The following is an entry in ClinVar:

ClinVar aggregate classification (germline): Uncertain significance. Review status: criteria provided, multiple submitters, no conflicts (2 of 4 stars). 2 submissions from 2 submitters: Uncertain significance (2). Last evaluated 2024-03-12.

Allele frequency attached by ClinVar (database versions not stated): TOPMed below 0.00001; ExAC 0.00001; gnomAD 0.00001; gnomAD exomes below 0.00001.
gnomAD v4.1: 6 of 1,612,548 alleles (0.00037%); highest among the groups gnomAD compares: East Asian, 0.0022%; no homozygotes.

Submissions (2):

Women's Health and Genetics/Laboratory Corporation of America, LabCorp
Classification: Uncertain significance. Last evaluated: 2024-03-12. Review status: criteria provided, single submitter. Criteria: LabCorp Variant Classification Summary - May 2015. Collection method: clinical testing. Allele origin: germline.
Comment: Variant summary: SMC3 c.1709C>T (p.Thr570Met) results in a non-conservative amino acid change located in the RecF/RecN/SMC, N-terminal (IPR003395) of the encoded protein sequence. Four of five in-silico tools predict a damaging effect of the variant on protein function. The variant allele was found at a frequency of 4e-06 in 251398 control chromosomes. The available data on variant occurrences in the general population are insufficient to allow any conclusion about variant significance. To our knowledge, no occurrence of c.1709C>T in individuals affected with Cornelia De Lange Syndrome 3 and no experimental evidence demonstrating its impact on protein function have been reported. ClinVar contains an entry for this variant (Variation ID: 595609). Based on the evidence outlined above, the variant was classified as uncertain significance.

Eurofins Ntd Llc (ga)
Classification: Uncertain significance. Last evaluated: 2018-01-12. Review status: criteria provided, single submitter. Criteria: EGL Classification Definitions 2015. Collection method: clinical testing. Allele origin: germline. Observed: 1 variant allele, 1 heterozygote.

NM_005445.4(SMC3):c.1709C>T (p.Thr570Met)

Gene: SMC3 (structural maintenance of chromosomes 3; plus strand). Cytogenetic location: 10q25.2.
Variant type: single nucleotide variant.
Coding change: c.1709C>T on transcript NM_005445.4 (MANE Select); coding-DNA position 1709, C replaced by T.
Protein change: p.Thr570Met; replaces threonine 570 with methionine.
Molecular consequence: missense variant.
Genome position (GRCh38, 1-based): chr10:110,591,029, C>T. VCF-style: chr10-110591029-C-T. GRCh37 (hg19) VCF-style: chr10-112350787-C-T.
Other names: short protein forms T570M.
Identifiers: ClinVar variation 595609 (VCV000595609.7), dbSNP rs767014638, ClinGen allele CA5688033.